The following is an entry in ClinVar:

NM_001292063.2(OTOG):c.50C>T (p.Pro17Leu)

Gene: OTOG (otogelin; plus strand). Cytogenetic location: 11p15.1.
Variant type: single nucleotide variant.
Coding change: c.50C>T on transcript NM_001292063.2 (MANE Select); coding-DNA position 50, C replaced by T.
Protein change: p.Pro17Leu; replaces proline 17 with leucine.
Molecular consequence: missense variant.
Genome position (GRCh38, 1-based): chr11:17,547,422, C>T. VCF-style: chr11-17547422-C-T. GRCh37 (hg19) VCF-style: chr11-17568969-C-T.
Other names: c.50C>T, p.Pro17Leu (NM_001277269.2); short protein forms P17L.
Identifiers: ClinVar variation 1911461 (VCV001911461.5), dbSNP rs2133989074, ClinGen allele CA379806096.

ClinVar aggregate classification (germline): Uncertain significance (1 of 4 stars; one submission).

Allele frequency attached by ClinVar (database versions not stated): gnomAD exomes below 0.00001.
gnomAD v4.1: 2 of 1,411,826 alleles (0.00014%); highest among the groups gnomAD compares: East Asian, 0.0029%; no homozygotes.

Submission:

Labcorp Genetics (formerly Invitae), Labcorp
Classification: Uncertain significance. Last evaluated: 2023-06-17. Review status: criteria provided, single submitter. Criteria: Invitae Variant Classification Sherloc (09022015). Collection method: clinical testing. Allele origin: germline.
Comment: This variant is not present in population databases (gnomAD no frequency). In summary, the available evidence is currently insufficient to determine the role of this variant in disease. Therefore, it has been classified as a Variant of Uncertain Significance. Algorithms developed to predict the effect of missense changes on protein structure and function output the following: SIFT: "Not Available"; PolyPhen-2: "Benign"; Align-GVGD: "Not Available". The leucine amino acid residue is found in multiple mammalian species, which suggests that this missense change does not adversely affect protein function. ClinVar contains an entry for this variant (Variation ID: 1911461). This variant has not been reported in the literature in individuals affected with OTOG-related conditions. This sequence change replaces proline, which is neutral and non-polar, with leucine, which is neutral and non-polar, at codon 17 of the OTOG protein (p.Pro17Leu).